The following is an entry in ClinVar:

ClinVar aggregate classification (germline): Uncertain significance (1 of 4 stars; one submission).

Conditions:
Cardiovascular phenotype. Identifiers: MedGen CN230736.

Submission:

Ambry Genetics
Classification: Uncertain significance for Cardiovascular phenotype. Last evaluated: 2026-06-27. Review status: criteria provided, single submitter. Criteria: Ambry Variant Classification Scheme 2023. Collection method: clinical testing. Allele origin: germline.
Comment: The p.M3007R variant (also known as c.9020T>G), located in coding exon 26 of the APOB gene, results from a T to G substitution at nucleotide position 9020. The methionine at codon 3007 is replaced by arginine, an amino acid with similar properties. This amino acid position is conserved. In addition, this alteration is predicted to be tolerated by in silico analysis. Based on the available evidence, the clinical significance of this variant remains unclear.

NM_000384.3(APOB):c.9020T>G (p.Met3007Arg)

Gene: APOB (apolipoprotein B; minus strand). Cytogenetic location: 2p24.1.
Variant type: single nucleotide variant.
Coding change: c.9020T>G on transcript NM_000384.3 (MANE Select); coding-DNA position 9020, T replaced by G.
Protein change: p.Met3007Arg; replaces methionine 3007 with arginine.
Molecular consequence: missense variant.
Genome position (GRCh38, 1-based): chr2:21,007,848, A>C on the plus strand (T>G on the coding strand, the complement: APOB is on the minus strand). VCF-style: chr2-21007848-A-C. GRCh37 (hg19) VCF-style: chr2-21230720-A-C.
Other names: short protein forms M3007R.
Identifiers: ClinVar variation 5026910 (VCV005026910.1).
Genomic context (GRCh38, chr2:21,007,848, plus strand): 5'-CCATTTAAATGAGCATCATGCCTCCCAGTAAACTCTGCCTTCCCTTCTCCAAACAGTGCC[A>C]TGCCTTTAGCAGTTAGAACACTGTGGCCCACATGCTGGGAATCGACTTGTGATTGAATTT-3'
Protein context (NP_000375.3, residues 2997-3017): VGHSVLTAKG[Met3007Arg]ALFGEGKAEF